The following is an entry in ClinVar:

NM_004995.4(MMP14):c.61G>A (p.Ala21Thr)

Gene: MMP14 (matrix metallopeptidase 14; plus strand). Cytogenetic location: 14q11.2.
Variant type: single nucleotide variant.
Coding change: c.61G>A on transcript NM_004995.4 (MANE Select); coding-DNA position 61, G replaced by A.
Protein change: p.Ala21Thr; replaces alanine 21 with threonine.
Molecular consequence: missense variant.
Genome position (GRCh38, 1-based): chr14:22,836,878, G>A. VCF-style: chr14-22836878-G-A. GRCh37 (hg19) VCF-style: chr14-23306087-G-A.
Other names: short protein forms A21T.
Identifiers: ClinVar variation 1472426 (VCV001472426.6), dbSNP rs780367986, ClinGen allele CA7105031.

ClinVar aggregate classification (germline): Uncertain significance (1 of 4 stars; one submission).

gnomAD v4.1: 29 of 1,613,418 alleles (0.0018%); highest among the groups gnomAD compares: Non-Finnish European, 0.0024%; no homozygotes.

Submission:

Labcorp Genetics (formerly Invitae), Labcorp
Classification: Uncertain significance. Last evaluated: 2024-02-15. Review status: criteria provided, single submitter. Criteria: Invitae Variant Classification Sherloc (09022015). Collection method: clinical testing. Allele origin: germline.
Comment: This sequence change replaces alanine, which is neutral and non-polar, with threonine, which is neutral and polar, at codon 21 of the MMP14 protein (p.Ala21Thr). This variant is present in population databases (rs780367986, gnomAD 0.005%). This variant has not been reported in the literature in individuals affected with MMP14-related conditions. ClinVar contains an entry for this variant (Variation ID: 1472426). Experimental studies and prediction algorithms are not available or were not evaluated, and the functional significance of this variant is currently unknown. In summary, the available evidence is currently insufficient to determine the role of this variant in disease. Therefore, it has been classified as a Variant of Uncertain Significance.